The following is an entry in ClinVar:

ClinVar aggregate classification (germline): Uncertain significance (1 of 4 stars; one submission).

Conditions:
Familial hemophagocytic lymphohistiocytosis 5. Also called: STXBP2-Related Familial Hemophagocytic Lymphohistiocytosis (STXBP2-fHLH). Identifiers: Orphanet 540, MedGen C2751293, MONDO:0013135, OMIM 613101.

Allele frequency attached by ClinVar (database versions not stated): gnomAD exomes below 0.00001 and 0.00001; TOPMed below 0.00001; ExAC 0.00001; gnomAD 0.00001.
gnomAD v4.1: 7 of 1,613,980 alleles (0.00043%); highest among the groups gnomAD compares: Non-Finnish European, 0.00059%; no homozygotes.

Submission:

Labcorp Genetics (formerly Invitae), Labcorp
Classification: Uncertain significance for Familial hemophagocytic lymphohistiocytosis 5. Last evaluated: 2022-06-27. Review status: criteria provided, single submitter. Criteria: Invitae Variant Classification Sherloc (09022015). Collection method: clinical testing. Allele origin: germline.
Comment: This sequence change replaces leucine, which is neutral and non-polar, with proline, which is neutral and non-polar, at codon 281 of the STXBP2 protein (p.Leu281Pro). This variant is present in population databases (rs748802312, gnomAD 0.0009%). This variant has not been reported in the literature in individuals affected with STXBP2-related conditions. Algorithms developed to predict the effect of missense changes on protein structure and function are either unavailable or do not agree on the potential impact of this missense change (SIFT: "Deleterious"; PolyPhen-2: "Probably Damaging"; Align-GVGD: "Class C0"). In summary, the available evidence is currently insufficient to determine the role of this variant in disease. Therefore, it has been classified as a Variant of Uncertain Significance.

NM_006949.4(STXBP2):c.842T>C (p.Leu281Pro)

Gene: STXBP2 (syntaxin binding protein 2; plus strand). Cytogenetic location: 19p13.2.
Variant type: single nucleotide variant.
Coding change: c.842T>C on transcript NM_006949.4 (MANE Select); coding-DNA position 842, T replaced by C.
Protein change: p.Leu281Pro; replaces leucine 281 with proline.
Molecular consequence: missense variant. On other transcripts: non-coding transcript variant (1).
Genome position (GRCh38, 1-based): chr19:7,642,476, T>C. VCF-style: chr19-7642476-T-C. GRCh37 (hg19) VCF-style: chr19-7707362-T-C.
Other names: c.833T>C, p.Leu278Pro (NM_001127396.3); c.875T>C, p.Leu292Pro (NM_001272034.2); short protein forms L278P, L281P, L292P.
Identifiers: ClinVar variation 1468782 (VCV001468782.5), dbSNP rs748802312, ClinGen allele CA9143819.